The following is an entry in ClinVar:

ClinVar aggregate classification (germline): Conflicting classifications of pathogenicity. Review status: criteria provided, conflicting classifications (1 of 4 stars). 6 submissions from 6 submitters: Likely pathogenic (1); Uncertain significance (5). Last evaluated 2026-06-12.

Conditions:
Cardiovascular phenotype. Identifiers: MedGen CN230736.
Cardiomyopathy (CMYO). Also called: Cardiomyopathies. Identifiers: Orphanet 167848, MedGen C0878544, MONDO:0004994, HP:0001638. Inheritance: Various modes of inheritance.
Lethal congenital glycogen storage disease of heart. Also called: GLYCOGEN STORAGE DISEASE OF HEART; PHOSPHORYLASE KINASE DEFICIENCY OF HEART. Identifiers: Orphanet 439854, MedGen C1849813, MONDO:0009867, OMIM 261740.

Allele frequency attached by ClinVar (database versions not stated): gnomAD exomes below 0.00001.
gnomAD v4.1: 1 of 1,613,664 alleles (0.000062%); highest among the groups gnomAD compares: Non-Finnish European, 0.000085%; no homozygotes.

Submissions (6):

Ambry Genetics
Classification: Uncertain significance for Cardiovascular phenotype. Last evaluated: 2026-06-12. Review status: criteria provided, single submitter. Criteria: Ambry Variant Classification Scheme 2023. Collection method: clinical testing. Allele origin: germline.
Comment: The p.M335T variant (also known as c.1004T>C), located in coding exon 8 of the PRKAG2 gene, results from a T to C substitution at nucleotide position 1004. The methionine at codon 335 is replaced by threonine, an amino acid with similar properties. This variant was reported in individual(s) with features consistent with PRKAG2-related cardiac syndrome (Van Belle Y et al. Pacing Clin Electrophysiol, 2008 Oct;31:1358-61; Lopez-Sainz A et al. J Am Coll Cardiol, 2020 Jul;76:186-197; Harper AR et al. Nat Genet, 2021 Feb;53:135-142; Bonaventura J et al. J Am Heart Assoc, 2024 May;13:e033565; Ambry internal data). This amino acid position is highly conserved in available vertebrate species. In addition, this alteration is predicted to be deleterious by in silico analysis. Based on the available evidence, the clinical significance of this variant remains unclear.

Labcorp Genetics (formerly Invitae), Labcorp
Classification: Likely pathogenic for Lethal congenital glycogen storage disease of heart. Last evaluated: 2025-12-12. Review status: criteria provided, single submitter. Criteria: Invitae Variant Classification Sherloc (09022015). Collection method: clinical testing. Allele origin: germline.
Comment: This sequence change replaces methionine, which is neutral and non-polar, with threonine, which is neutral and polar, at codon 335 of the PRKAG2 protein (p.Met335Thr). This variant is not present in population databases (gnomAD no frequency). This missense change has been observed in individuals with clinical features of PRKAG2-related conditions (PMID: 18811822, 32646569; internal data). ClinVar contains an entry for this variant (Variation ID: 181477). Invitae Evidence Modeling of protein sequence and biophysical properties (such as structural, functional, and spatial information, amino acid conservation, physicochemical variation, residue mobility, and thermodynamic stability) indicates that this missense variant is not expected to disrupt PRKAG2 protein function with a negative predictive value of 95%. In summary, the currently available evidence indicates that the variant is pathogenic, but additional data are needed to prove that conclusively. Therefore, this variant has been classified as Likely Pathogenic.

Women's Health and Genetics/Laboratory Corporation of America, LabCorp
Classification: Uncertain significance. Last evaluated: 2025-09-30. Review status: criteria provided, single submitter. Criteria: LabCorp Variant Classification Summary - May 2015. Collection method: clinical testing. Allele origin: germline.
Comment: Variant summary: PRKAG2 c.1004T>C (p.Met335Thr) results in a non-conservative amino acid change in the encoded protein sequence. Algorithms developed to predict the effect of missense changes on protein structure and function are either unavailable or do not agree on the potential impact of this missense change. Consensus agreement among computation tools predict no significant impact on normal splicing. However, these predictions have yet to be confirmed by functional studies. The variant was absent in 251018 control chromosomes. c.1004T>C has been observed in individual(s) affected with Cardiomyopathy (Lopez-Sainz_2020, VanBelle_2008, Internal_data). These data indicate that the variant may be associated with disease. To our knowledge, no experimental evidence demonstrating an impact on protein function has been reported. The following publications have been ascertained in the context of this evaluation (PMID: 32646569, 18811822). ClinVar contains an entry for this variant (Variation ID: 181477). Based on the evidence outlined above, the variant was classified as VUS-possibly pathogenic.

Color Diagnostics, LLC DBA Color Health
Classification: Uncertain significance for Cardiomyopathy. Last evaluated: 2019-01-16. Review status: criteria provided, single submitter. Criteria: ACMG Guidelines, 2015. Collection method: clinical testing. Allele origin: germline.
Comment: Variant of Uncertain Significance due to insufficient evidence: This variant is located in the CBS domain 1 of the PRKAG2 protein. Computational prediction tools and conservation analyses are inconclusive regarding the impact of this variant on the protein function. Computational splicing tools suggest that this variant may not impact RNA splicing. To our knowledge, functional assays have not been performed for this variant. This variant has been reported in two related individuals affected with hypertrophic cardiomyopathy and paroxysmal atrial fibrillation (PMID: 18811822). This variant is rare in the general population and has been identified in 0/277264 chromosomes by the Genome Aggregation Database (gnomAD). Available evidence is insufficient to determine the role of this variant in disease conclusively.

Stanford Center for Inherited Cardiovascular Disease, Stanford University
Classification: Uncertain significance. Last evaluated: 2017-09-07. Review status: criteria provided, single submitter. Criteria: ACMG Guidelines, 2015. Collection method: provider interpretation. Allele origin: germline.

GeneDx
Classification: Uncertain significance. Last evaluated: 2016-08-19. Review status: criteria provided, single submitter. Criteria: GeneDx Variant Classification (06012015). Collection method: clinical testing. Allele origin: germline. Affected: yes.
Comment: In addition, this variant was found to segregate with disease in this man's father, who was reported to have the same phenotype (Van Belle et al., 2008). This variant was not observed in approximately 6,500 individuals of European and African American ancestry in the NHLBI Exome Sequencing Project, indicating it is not a common benign variant in these populations. The M335T variant is a non-conservative amino acid substitution, which is likely to impact secondary protein structure as these residues differ in polarity, charge, size and/or other properties. This substitution occurs at a position that is conserved across species and in silico analysis predicts this variant is probably damaging to the protein structure/function. However, although the M335T variant has been observed in other unrelated individuals referred for HCM genetic testing at GeneDx, observation in these individuals, for whom segregation data is lacking, is not sufficient to determine the absolute pathogenicity of this variant. Furthermore, to our knowledge no studies have been performed to determine the functional effect of the M335T variant. Therefore, based on the currently available information, it is unclear whether this variant is pathogenic or benign.

Literature cited by the submitters: PubMed 18811822 (cited by 3 submitters); PubMed 32646569 (cited by 3 submitters); PubMed 33495597 (cited by Ambry Genetics); PubMed 38757491 (cited by Ambry Genetics).

NM_016203.4(PRKAG2):c.1004T>C (p.Met335Thr)

Gene: PRKAG2 (protein kinase AMP-activated non-catalytic subunit gamma 2; minus strand). Cytogenetic location: 7q36.1.
Variant type: single nucleotide variant.
Coding change: c.1004T>C on transcript NM_016203.4 (MANE Select); coding-DNA position 1004, T replaced by C.
Protein change: p.Met335Thr; replaces methionine 335 with threonine.
Molecular consequence: missense variant.
Genome position (GRCh38, 1-based): chr7:151,574,892, A>G on the plus strand (T>C on the coding strand, the complement: PRKAG2 is on the minus strand). VCF-style: chr7-151574892-A-G. GRCh37 (hg19) VCF-style: chr7-151271978-A-G.
Other names: p.M335T:ATG>ACG; c.872T>C, p.Met291Thr (NM_001040633.2); c.629T>C, p.Met210Thr (NM_001304527.2); c.281T>C, p.Met94Thr (NM_001304531.2, NM_024429.2); c.632T>C, p.Met211Thr (NM_001363698.2); short protein forms M335T, M94T, M211T, M291T, M210T.
Identifiers: ClinVar variation 181477 (VCV000181477.22), dbSNP rs730880978, ClinGen allele CA013501.
Genomic context (GRCh38, chr7:151,574,892, plus strand): 5'-ACACACATACATAGATACGTACAGCTCCAACTACTGACATAGGAACTGGTGCCACTTACC[A>G]TAGGTGATTTATAGTATCTATGTAGTATATTTATGAAATCTGTAATTGTTAGCATTCCTG-3'
Protein context (NP_057287.2, residues 325-345): NILHRYYKSP[Met335Thr]VQIYELEEHK